The following is an entry in ClinVar:

ClinVar aggregate classification (germline): Benign/Likely benign. Review status: criteria provided, multiple submitters, no conflicts (2 of 4 stars). 3 submissions from 3 submitters: Benign (1); Likely benign (2). Last evaluated 2025-08-29.

Conditions:
Oligodontia-cancer predisposition syndrome. Also called: TOOTH AGENESIS-COLORECTAL CANCER SYNDROME. Identifiers: Orphanet 300576, MedGen C1837750, MONDO:0012075, OMIM 608615. Disease mechanism: loss of function.
Hereditary cancer-predisposing syndrome. Also called: Tumor predisposition; Hereditary Cancer Syndrome; Neoplastic Syndromes, Hereditary; Hereditary neoplastic syndrome. Identifiers: Orphanet 140162, MedGen C0027672, MeSH D009386, MONDO:0015356.

Submissions (3):

Labcorp Genetics (formerly Invitae), Labcorp
Classification: Likely benign for Oligodontia-cancer predisposition syndrome. Last evaluated: 2025-08-29. Review status: criteria provided, single submitter. Criteria: Invitae Variant Classification Sherloc (09022015). Collection method: clinical testing. Allele origin: germline.

Myriad Genetics, Inc.
Classification: Benign for Oligodontia-cancer predisposition syndrome. Last evaluated: 2024-06-25. Review status: criteria provided, single submitter. Criteria: Myriad Autosomal Dominant, Autosomal Recessive and X-Linked Classification Criteria (2023). Collection method: clinical testing. Allele origin: unknown.
Comment: This variant is considered benign. This variant is a silent/synonymous amino acid change and it is not expected to impact splicing.

Ambry Genetics
Classification: Likely benign for Hereditary cancer-predisposing syndrome. Last evaluated: 2020-07-01. Review status: criteria provided, single submitter. Criteria: Ambry Variant Classification Scheme 2023. Collection method: clinical testing. Allele origin: germline.

NM_004655.4(AXIN2):c.69G>A (p.Arg23=)

Gene: AXIN2 (axin 2; minus strand). Cytogenetic location: 17q24.1.
Variant type: single nucleotide variant.
Coding change: c.69G>A on transcript NM_004655.4 (MANE Select); coding-DNA position 69, G replaced by A.
Protein change: p.Arg23=; no amino-acid change (arginine 23 retained).
Molecular consequence: synonymous variant.
Genome position (GRCh38, 1-based): chr17:65,558,552, C>T on the plus strand (G>A on the coding strand, the complement: AXIN2 is on the minus strand). VCF-style: chr17-65558552-C-T. GRCh37 (hg19) VCF-style: chr17-63554670-C-T.
Other names: c.69G>A, p.Arg23= (NM_001363813.1).
Identifiers: ClinVar variation 1587730 (VCV001587730.11), dbSNP rs2144591586, ClinGen allele CA501691667.